The following is an entry in ClinVar:

NM_003477.3(PDHX):c.1285A>G (p.Thr429Ala)

Gene: PDHX (pyruvate dehydrogenase complex component X; plus strand). Cytogenetic location: 11p13.
Variant type: single nucleotide variant.
Coding change: c.1285A>G on transcript NM_003477.3 (MANE Select); coding-DNA position 1285, A replaced by G.
Protein change: p.Thr429Ala; replaces threonine 429 with alanine.
Molecular consequence: missense variant.
Genome position (GRCh38, 1-based): chr11:34,994,951, A>G. VCF-style: chr11-34994951-A-G. GRCh37 (hg19) VCF-style: chr11-35016498-A-G.
Other names: c.1105A>G, p.Thr369Ala (NM_001135024.2); c.604A>G, p.Thr202Ala (NM_001166158.2); short protein forms T202A, T369A, T429A.
Identifiers: ClinVar variation 1505747 (VCV001505747.8), dbSNP rs2134008452, ClinGen allele CA380126816.

ClinVar aggregate classification (germline): Uncertain significance (1 of 4 stars; one submission).

Submission:

Labcorp Genetics (formerly Invitae), Labcorp
Classification: Uncertain significance. Last evaluated: 2022-09-13. Review status: criteria provided, single submitter. Criteria: Invitae Variant Classification Sherloc (09022015). Collection method: clinical testing. Allele origin: germline.
Comment: This sequence change replaces threonine, which is neutral and polar, with alanine, which is neutral and non-polar, at codon 429 of the PDHX protein (p.Thr429Ala). In summary, the available evidence is currently insufficient to determine the role of this variant in disease. Therefore, it has been classified as a Variant of Uncertain Significance. Algorithms developed to predict the effect of sequence changes on RNA splicing suggest that this variant may disrupt the consensus splice site. Advanced modeling of protein sequence and biophysical properties (such as structural, functional, and spatial information, amino acid conservation, physicochemical variation, residue mobility, and thermodynamic stability) performed at Invitae indicates that this missense variant is not expected to disrupt PDHX protein function. ClinVar contains an entry for this variant (Variation ID: 1505747). This variant has not been reported in the literature in individuals affected with PDHX-related conditions. This variant is not present in population databases (gnomAD no frequency).